The following is an entry in ClinVar:

ClinVar aggregate classification (germline): Likely benign (0 of 4 stars; one submission).

Conditions:
WDR45B-related disorder. Also called: WDR45B-related condition.

Allele frequency attached by ClinVar (database versions not stated): TOPMed 0.00002; gnomAD 0.00011; ExAC 0.00025; 1000 Genomes Project 0.00100; 1000 Genomes Project 30x 0.00109.
gnomAD v4.1: 137 of 1,606,924 alleles (0.0085%); highest among the groups gnomAD compares: South Asian, 0.14%; 1 homozygote.

Submission:

PreventionGenetics, part of Exact Sciences
Classification: Likely benign for WDR45B-related condition. Last evaluated: 2019-06-27. Review status: no assertion criteria provided. Collection method: clinical testing. Allele origin: germline.
Comment: This variant is classified as likely benign based on ACMG/AMP sequence variant interpretation guidelines (Richards et al. 2015 PMID: 25741868, with internal and published modifications).

NM_019613.4(WDR45B):c.21C>T (p.Asn7=)

Gene: WDR45B (WD repeat domain 45B; minus strand). Cytogenetic location: 17q25.3.
Variant type: single nucleotide variant.
Coding change: c.21C>T on transcript NM_019613.4 (MANE Select); coding-DNA position 21, C replaced by T.
Protein change: p.Asn7=; no amino-acid change (asparagine 7 retained).
Molecular consequence: synonymous variant.
Genome position (GRCh38, 1-based): chr17:82,648,320, G>A on the plus strand (C>T on the coding strand, the complement: WDR45B is on the minus strand). VCF-style: chr17-82648320-G-A. GRCh37 (hg19) VCF-style: chr17-80606196-G-A.
Identifiers: ClinVar variation 3043239 (VCV003043239.2), dbSNP rs543274594, ClinGen allele CA8860211.